The following is an entry in ClinVar:

ClinVar aggregate classification (germline): Benign/Likely benign. Review status: criteria provided, multiple submitters, no conflicts (2 of 4 stars). 7 submissions from 7 submitters: Benign (1); Likely benign (5). 1 of the submissions does not count toward it. Last evaluated 2026-01-19.

Conditions:
Cardiovascular phenotype. Identifiers: MedGen CN230736.
CACNA1C-related disorder. Also called: CACNA1C-related condition; CACNA1C-related disorders. Identifiers: MedGen CN381092, MONDO:0700321.
Long QT syndrome (LQTS). Identifiers: MedGen C0023976, MeSH D008133, MONDO:0002442. Disease mechanism: loss of function. Inheritance: Various modes of inheritance.
Timothy syndrome (TS). Also called: LONG QT SYNDROME WITH SYNDACTYLY. Identifiers: Orphanet 65283, MedGen C1832916, MeSH C536962, MONDO:0010979, OMIM 601005.
Long QT syndrome 8. Identifiers: MedGen CN260585, MONDO:0032756, OMIM 618447.
Brugada syndrome 3 (BRGDA3). Identifiers: Orphanet 130, MedGen C2678478, MONDO:0012742, OMIM 611875.

Allele frequency attached by ClinVar (database versions not stated): TOPMed 0.00004; ExAC 0.00005; gnomAD 0.00006 and 0.00007; gnomAD exomes 0.00007 and 0.00011; ESP Exome Variant Server 0.00016.
gnomAD v4.1: 190 of 1,609,776 alleles (0.012%); highest among the groups gnomAD compares: Non-Finnish European, 0.014%; no homozygotes.

Submissions (7):

Labcorp Genetics (formerly Invitae), Labcorp
Classification: Likely benign for Long QT syndrome. Last evaluated: 2026-01-19. Review status: criteria provided, single submitter. Criteria: Invitae Variant Classification Sherloc (09022015). Collection method: clinical testing. Allele origin: germline.

CeGaT Center for Human Genetics Tuebingen
Classification: Likely benign. Last evaluated: 2024-10-01. Review status: criteria provided, single submitter. Criteria: CeGaT Center For Human Genetics Tuebingen Variant Classification Criteria Version 2. Collection method: clinical testing. Allele origin: germline. Affected: yes. Observed: 1 variant allele.
Comment: CACNA1C: BP4, BP7

Blueprint Genetics
Classification: Likely benign. Last evaluated: 2024-08-15. Review status: criteria provided, single submitter. Criteria: ACMG Guidelines, 2015. Collection method: clinical testing. Allele origin: germline.

Fulgent Genetics
Classification: Likely benign for Timothy syndrome; Brugada syndrome 3; Long QT syndrome 8. Last evaluated: 2021-10-01. Review status: criteria provided, single submitter. Criteria: ACMG Guidelines, 2015. Collection method: clinical testing. Allele origin: unknown.

Ambry Genetics
Classification: Likely benign for Cardiovascular phenotype. Last evaluated: 2018-12-17. Review status: criteria provided, single submitter. Criteria: Ambry Variant Classification Scheme 2023. Collection method: clinical testing. Allele origin: germline.

GeneDx
Classification: Benign. Last evaluated: 2016-10-10. Review status: criteria provided, single submitter. Criteria: GeneDx Variant Classification (06012015). Collection method: clinical testing. Allele origin: germline. Affected: yes.
Comment: This variant is considered likely benign or benign based on one or more of the following criteria: it is a conservative change, it occurs at a poorly conserved position in the protein, it is predicted to be benign by multiple in silico algorithms, and/or has population frequency not consistent with disease.

PreventionGenetics, part of Exact Sciences
Classification: Likely benign for CACNA1C-related condition. Last evaluated: 2021-11-12. Review status: no assertion criteria provided. Collection method: clinical testing. Allele origin: germline. Not counted in ClinVar's aggregate classification.
Comment: This variant is classified as likely benign based on ACMG/AMP sequence variant interpretation guidelines (Richards et al. 2015 PMID: 25741868, with internal and published modifications).

NM_000719.7(CACNA1C):c.6339C>T (p.Asp2113=)

Genes: CACNA1C (calcium voltage-gated channel subunit alpha1 C; plus strand), CACNA1C-AS1 (CACNA1C antisense RNA 1; minus strand). Cytogenetic location: 12p13.33.
Variant type: single nucleotide variant.
Coding change: c.6339C>T on transcript NM_000719.7 (MANE Select); coding-DNA position 6339, C replaced by T.
Protein change: p.Asp2113=; no amino-acid change (aspartic acid 2113 retained).
Molecular consequence: synonymous variant. On other transcripts: non-coding transcript variant (1).
Genome position (GRCh38, 1-based): chr12:2,691,121, C>T. VCF-style: chr12-2691121-C-T. GRCh37 (hg19) VCF-style: chr12-2800287-C-T.
Other names: c.6483C>T, p.Asp2161= (NM_001129827.2); c.6462C>T, p.Asp2154= (NM_001129829.2); c.6444C>T, p.Asp2148= (NM_001129830.3, NM_001167624.3); c.6423C>T, p.Asp2141= (NM_001129831.2); c.6399C>T, p.Asp2133= (NM_001129832.2); c.6396C>T, p.Asp2132= (NM_001129833.2, NM_001129834.2, NM_001129835.2); c.6390C>T, p.Asp2130= (NM_001129836.2); c.6363C>T, p.Asp2121= (NM_001129837.2, NM_001129838.2); and 6 more.
Identifiers: ClinVar variation 377616 (VCV000377616.32), dbSNP rs374843203, ClinGen allele CA6390124.